The following is an entry in ClinVar:

ClinVar aggregate classification (germline): Pathogenic (1 of 4 stars; one submission).

Submission:

GeneDx
Classification: Pathogenic. Last evaluated: 2019-10-30. Review status: criteria provided, single submitter. Criteria: GeneDx Variant Classification Process June 2021. Collection method: clinical testing. Allele origin: germline. Affected: yes.
Comment: Splice site variant in a gene for which loss-of-function is a known mechanism of disease, and both in silico predictors and evolutionary conservation support a deleterious effect; Not observed in large population cohorts (Lek et al., 2016); Has not been previously published as pathogenic or benign to our knowledge; In the absence of RNA/functional studies, the actual effect of this sequence change is unknown

NM_001349338.3(FOXP1):c.1348G>A (p.Ala450Thr)

Gene: FOXP1 (forkhead box P1; minus strand). Cytogenetic location: 3p13.
Variant type: single nucleotide variant.
Coding change: c.1348G>A on transcript NM_001349338.3 (MANE Select); coding-DNA position 1348, G replaced by A.
Protein change: p.Ala450Thr; replaces alanine 450 with threonine.
Molecular consequence: missense variant. On other transcripts: non-coding transcript variant (2).
Genome position (GRCh38, 1-based): chr3:70,977,828, C>T on the plus strand (G>A on the coding strand, the complement: FOXP1 is on the minus strand). VCF-style: chr3-70977828-C-T. GRCh37 (hg19) VCF-style: chr3-71026979-C-T.
Other names: c.1348G>A, p.Asp450Asn (NM_001244808.3); c.1348G>A, p.Ala450Thr (NM_001244810.2, NM_001244814.3, NM_001244816.2 and 2 more transcripts); c.1120G>A, p.Ala374Thr (NM_001244812.3); c.1048G>A, p.Ala350Thr (NM_001244813.3, NM_001244815.2, NM_001349342.3); c.1045G>A, p.Ala349Thr (NM_001349337.2, NM_001349343.3, NM_001349344.3); c.1345G>A, p.Ala449Thr (NM_001349341.3); c.1048G>A, p.Asp350Asn (NM_001370548.1); short protein forms A450T, A349T, A449T, D450N, D350N, A350T, A374T.
Identifiers: ClinVar variation 451160 (VCV000451160.3), dbSNP rs1553668386, ClinGen allele CA353493393.